The following is an entry in ClinVar:

NM_000038.6(APC):c.1131A>G (p.Lys377=)

Gene: APC (APC regulator of Wnt signaling pathway; plus strand). Cytogenetic location: 5q22.2.
Variant type: single nucleotide variant.
Coding change: c.1131A>G on transcript NM_000038.6 (MANE Select); coding-DNA position 1131, A replaced by G.
Protein change: p.Lys377=; no amino-acid change (lysine 377 retained).
Molecular consequence: synonymous variant. On other transcripts: non-coding transcript variant (2), intron variant (15).
Genome position (GRCh38, 1-based): chr5:112,819,163, A>G. VCF-style: chr5-112819163-A-G. GRCh37 (hg19) VCF-style: chr5-112154860-A-G.
Other names: c.1131A>G, p.Lys377= (NM_001127510.3, NM_001354895.2, NM_001354896.2 and 4 more transcripts); c.1077A>G, p.Lys359= (NM_001127511.3); c.1161A>G, p.Lys387= (NM_001354897.2, NM_001407446.1); c.1056A>G, p.Lys352= (NM_001354898.2, NM_001407451.1); c.1047A>G, p.Lys349= (NM_001354899.2, NM_001407452.1); c.954A>G, p.Lys318= (NM_001354900.2, NM_001354901.2, NM_001407453.1); c.282A>G, p.Lys94= (NM_001354906.2, NM_001407470.1); c.85-106A>G (NM_001407472.1, NM_001407471.1); and 5 more.
Identifiers: ClinVar variation 2413876 (VCV002413876.8), dbSNP rs2149781514, ClinGen allele CA445960297.

ClinVar aggregate classification (germline): Benign/Likely benign. Review status: criteria provided, multiple submitters, no conflicts (2 of 4 stars). 2 submissions from 2 submitters: Benign (1); Likely benign (1). Last evaluated 2024-02-29.

Conditions:
Familial adenomatous polyposis 1 (FAP1). Also called: FAMILIAL ADENOMATOUS POLYPOSIS 1, ATTENUATED; POLYPOSIS, ADENOMATOUS INTESTINAL. Identifiers: MedGen C2713442, MONDO:0021056, OMIM 175100. Disease mechanism: loss of function.

Allele frequency attached by ClinVar (database versions not stated): gnomAD exomes below 0.00001.
gnomAD v4.1: 1 of 1,614,070 alleles (0.000062%); highest among the groups gnomAD compares: Non-Finnish European, 0.000085%; no homozygotes.

Submissions (2):

Myriad Genetics, Inc.
Classification: Benign for Familial adenomatous polyposis 1. Last evaluated: 2024-02-29. Review status: criteria provided, single submitter. Criteria: Myriad Autosomal Dominant, Autosomal Recessive and X-Linked Classification Criteria (2023). Collection method: clinical testing. Allele origin: unknown.
Comment: This variant is considered benign. This variant is a silent/synonymous amino acid change and it is not expected to impact splicing.

Labcorp Genetics (formerly Invitae), Labcorp
Classification: Likely benign for Familial adenomatous polyposis 1. Last evaluated: 2023-11-10. Review status: criteria provided, single submitter. Criteria: Invitae Variant Classification Sherloc (09022015). Collection method: clinical testing. Allele origin: germline.